The following is an entry in ClinVar:

ClinVar aggregate classification (germline): Conflicting classifications of pathogenicity. Review status: criteria provided, conflicting classifications (1 of 4 stars). 3 submissions from 3 submitters: Uncertain significance (1); Benign (1); Likely benign (1). Last evaluated 2026-01-27.

Allele frequency attached by ClinVar (database versions not stated): ESP Exome Variant Server 0.00038; TOPMed 0.00045; gnomAD 0.00054 and 0.00055; ExAC 0.00070; gnomAD exomes 0.00083.
gnomAD v4.1: 792 of 1,613,620 alleles (0.049%); highest among the groups gnomAD compares: Middle Eastern, 0.13%; 1 homozygote.

Submissions (3):

Labcorp Genetics (formerly Invitae), Labcorp
Classification: Benign. Last evaluated: 2026-01-27. Review status: criteria provided, single submitter. Criteria: Invitae Variant Classification Sherloc (09022015). Collection method: clinical testing. Allele origin: germline.

CeGaT Center for Human Genetics Tuebingen
Classification: Likely benign. Last evaluated: 2022-03-01. Review status: criteria provided, single submitter. Criteria: CeGaT Center For Human Genetics Tuebingen Variant Classification Criteria Version 2. Collection method: clinical testing. Allele origin: germline. Affected: yes. Observed: 3 variant alleles.
Comment: PMPCA: BS1

GeneDx
Classification: Uncertain significance. Last evaluated: 2021-11-15. Review status: criteria provided, single submitter. Criteria: GeneDx Variant Classification Process June 2021. Collection method: clinical testing. Allele origin: germline. Affected: yes.
Comment: In silico analysis supports that this missense variant has a deleterious effect on protein structure/function; Has not been previously published as pathogenic or benign to our knowledge

NM_015160.3(PMPCA):c.476G>T (p.Gly159Val)

Gene: PMPCA (peptidase, mitochondrial processing subunit alpha; plus strand). Cytogenetic location: 9q34.3.
Variant type: single nucleotide variant.
Coding change: c.476G>T on transcript NM_015160.3 (MANE Select); coding-DNA position 476, G replaced by T.
Protein change: p.Gly159Val; replaces glycine 159 with valine.
Molecular consequence: missense variant. On other transcripts: intron variant (1).
Genome position (GRCh38, 1-based): chr9:136,414,591, G>T. VCF-style: chr9-136414591-G-T. GRCh37 (hg19) VCF-style: chr9-139309043-G-T.
Other names: c.176G>T, p.Gly59Val (NM_001282946.2); c.139+1699G>T (NM_001282944.2); short protein forms G59V, G159V.
Identifiers: ClinVar variation 724025 (VCV000724025.53), dbSNP rs143813417, ClinGen allele CA5336003.